The following is an entry in ClinVar:

ClinVar aggregate classification (germline): Pathogenic. Review status: criteria provided, multiple submitters, no conflicts (2 of 4 stars). 2 submissions from 2 submitters: Pathogenic (2). Last evaluated 2023-12-28.

Conditions:
Hereditary cancer-predisposing syndrome. Also called: Tumor predisposition; Hereditary Cancer Syndrome; Hereditary neoplastic syndrome; Neoplastic Syndromes, Hereditary. Identifiers: Orphanet 140162, MedGen C0027672, MeSH D009386, MONDO:0015356.
Pheochromocytoma/paraganglioma syndrome 5. Also called: Paragangliomas 5; SDHA-Related Hereditary Paraganglioma-Pheochromocytoma Syndrome. Identifiers: Orphanet 29072, MedGen C3279992, MONDO:0013602, OMIM 614165.

Submissions (2):

Myriad Genetics, Inc.
Classification: Pathogenic for Pheochromocytoma/paraganglioma syndrome 5. Last evaluated: 2023-12-28. Review status: criteria provided, single submitter. Criteria: Myriad Autosomal Dominant, Autosomal Recessive and X-Linked Classification Criteria (2023). Collection method: clinical testing. Allele origin: unknown.
Comment: This variant is considered pathogenic. This variant creates a termination codon and is predicted to result in premature protein truncation.

Ambry Genetics
Classification: Pathogenic for Hereditary cancer-predisposing syndrome. Last evaluated: 2020-07-21. Review status: criteria provided, single submitter. Criteria: Ambry Variant Classification Scheme 2023. Collection method: clinical testing. Allele origin: germline.
Comment: The p.Y580* pathogenic mutation (also known as c.1740C>G), located in coding exon 13 of the SDHA gene, results from a C to G substitution at nucleotide position 1740. This changes the amino acid from a tyrosine to a stop codon within coding exon 13. This alteration is expected to result in loss of function by premature protein truncation or nonsense-mediated mRNA decay. As such, this alteration is interpreted as a disease-causing mutation.

NM_004168.4(SDHA):c.1740C>G (p.Tyr580Ter)

Gene: SDHA (succinate dehydrogenase complex flavoprotein subunit A; plus strand). Cytogenetic location: 5p15.33.
Variant type: single nucleotide variant.
Coding change: c.1740C>G on transcript NM_004168.4 (MANE Select); coding-DNA position 1740, C replaced by G.
Protein change: p.Tyr580Ter; replaces tyrosine 580 with a stop codon.
Molecular consequence: nonsense. On other transcripts: intron variant (1).
Genome position (GRCh38, 1-based): chr5:251,414, C>G. VCF-style: chr5-251414-C-G. GRCh37 (hg19) VCF-style: chr5-251529-C-G.
Other names: c.1596C>G, p.Tyr532Ter (NM_001294332.2); c.1552-2979C>G (NM_001330758.2); short protein forms Y580*, Y532*.
Identifiers: ClinVar variation 1779186 (VCV001779186.2), dbSNP rs3181540, ClinGen allele CA359000210.
Genomic context (GRCh38, chr5:251,414, plus strand): 5'-GGACCTGGTGGAGACCCTGGAGCTGCAGAACCTGATGCTGTGTGCGCTGCAGACCATCTA[C>G]GGAGCAGAGGCACGGAAGGAGTCACGGGGCGCGCATGCCAGGGAAGACTACAAGGTGGGC-3'